The following is an entry in ClinVar:

ClinVar aggregate classification (germline): Uncertain significance (1 of 4 stars; one submission).

Conditions:
Renal carnitine transport defect (CDSP). Also called: Carnitine Deficiency, Systemic; CARNITINE DEFICIENCY, SYSTEMIC, DUE TO DEFECT IN RENAL REABSORPTION OF CARNITINE; CARNITINE TRANSPORTER, PLASMA-MEMBRANE, DEFICIENCY OF; CARNITINE UPTAKE DEFECT; Carnitine transporter deficiency; Systemic primary carnitine deficiency disease. Identifiers: Orphanet 158, MedGen C0342788, MONDO:0008919, OMIM 212140.

Submission:

Labcorp Genetics (formerly Invitae), Labcorp
Classification: Uncertain significance for Renal carnitine transport defect. Last evaluated: 2022-03-02. Review status: criteria provided, single submitter. Criteria: Invitae Variant Classification Sherloc (09022015). Collection method: clinical testing. Allele origin: germline.
Comment: In summary, the available evidence is currently insufficient to determine the role of this variant in disease. Therefore, it has been classified as a Variant of Uncertain Significance. Advanced modeling of protein sequence and biophysical properties (such as structural, functional, and spatial information, amino acid conservation, physicochemical variation, residue mobility, and thermodynamic stability) performed at Invitae indicates that this missense variant is not expected to disrupt SLC22A5 protein function. This variant has not been reported in the literature in individuals affected with SLC22A5-related conditions. This variant is not present in population databases (gnomAD no frequency). This sequence change replaces isoleucine, which is neutral and non-polar, with methionine, which is neutral and non-polar, at codon 348 of the SLC22A5 protein (p.Ile348Met).

NM_003060.4(SLC22A5):c.1044A>G (p.Ile348Met)

Gene: SLC22A5 (solute carrier family 22 member 5; plus strand). Cytogenetic location: 5q31.1.
Variant type: single nucleotide variant.
Coding change: c.1044A>G on transcript NM_003060.4 (MANE Select); coding-DNA position 1044, A replaced by G.
Protein change: p.Ile348Met; replaces isoleucine 348 with methionine.
Molecular consequence: missense variant.
Genome position (GRCh38, 1-based): chr5:132,389,013, A>G. VCF-style: chr5-132389013-A-G. GRCh37 (hg19) VCF-style: chr5-131724705-A-G.
Other names: c.1116A>G, p.Ile372Met (NM_001308122.2); short protein forms I348M, I372M.
Identifiers: ClinVar variation 2105622 (VCV002105622.4), dbSNP rs2532129857, ClinGen allele CA360806633.
Genomic context (GRCh38, chr5:132,389,013, plus strand): 5'-CCACAACATTCTGGATCTGCTTCGAACCTGGAATATCCGGATGGTCACCATCATGTCCAT[A>G]ATGCTGTGGTATGTAAAAGAGACCTGCCTGAGGCTTCCAGACAAAGCTTCTTGAAGTGGC-3'
Protein context (NP_003051.1, residues 338-358): WNIRMVTIMS[Ile348Met]MLWMTISVGY